The following is an entry in ClinVar:

NM_138413.4(HOGA1):c.185A>T (p.His62Leu)

Gene: HOGA1 (4-hydroxy-2-oxoglutarate aldolase 1; plus strand). Cytogenetic location: 10q24.2.
Variant type: single nucleotide variant.
Coding change: c.185A>T on transcript NM_138413.4 (MANE Select); coding-DNA position 185, A replaced by T.
Protein change: p.His62Leu; replaces histidine 62 with leucine.
Molecular consequence: missense variant.
Genome position (GRCh38, 1-based): chr10:97,584,888, A>T. VCF-style: chr10-97584888-A-T. GRCh37 (hg19) VCF-style: chr10-99344645-A-T.
Other names: c.185A>T, p.His62Leu (NM_001134670.2); short protein forms H62L.
Identifiers: ClinVar variation 301789 (VCV000301789.18), dbSNP rs150812556, ClinGen allele CA5633842.

ClinVar aggregate classification (germline): Conflicting classifications of pathogenicity. Review status: criteria provided, conflicting classifications (1 of 4 stars). 5 submissions from 5 submitters: Uncertain significance (2); Benign (2). 1 of the submissions does not count toward it. Last evaluated 2026-07-07.

Conditions:
Primary hyperoxaluria type 3. Also called: PH III. Identifiers: Orphanet 416, Orphanet 93600, MedGen C3150878, MONDO:0013327, OMIM 613616. Disease mechanism: loss of function.
HOGA1-related disorder. Also called: HOGA1-related condition.
Inborn genetic diseases. Identifiers: MedGen C0950123, MeSH D030342.

Allele frequency attached by ClinVar (database versions not stated): gnomAD exomes 0.00025 and 0.00044; gnomAD 0.00027 and 0.00030; ExAC 0.00031; TOPMed 0.00032; ESP Exome Variant Server 0.00046.
gnomAD v4.1: 445 of 1,614,062 alleles (0.028%); highest among the groups gnomAD compares: Middle Eastern, 0.43%; 1 homozygote.

Submissions (5):

PreventionGenetics, part of Exact Sciences
Classification: Benign for HOGA1-related condition. Last evaluated: 2026-07-07. Review status: criteria provided, single submitter. Criteria: ACMG Guidelines, 2015. Collection method: clinical testing. Allele origin: germline.
Comment: This variant is classified as benign based on ACMG/AMP sequence variant interpretation guidelines (Richards et al. 2015 PMID: 25741868, with internal and published modifications).

Labcorp Genetics (formerly Invitae), Labcorp
Classification: Benign. Last evaluated: 2026-01-20. Review status: criteria provided, single submitter. Criteria: Invitae Variant Classification Sherloc (09022015). Collection method: clinical testing. Allele origin: germline.

Ambry Genetics
Classification: Uncertain significance for Inborn genetic diseases. Last evaluated: 2021-10-18. Review status: criteria provided, single submitter. Criteria: Ambry Variant Classification Scheme 2023. Collection method: clinical testing. Allele origin: germline.

Illumina Laboratory Services, Illumina
Classification: Uncertain significance for Primary hyperoxaluria type 3. Last evaluated: 2018-01-12. Review status: criteria provided, single submitter. Criteria: ICSL Variant Classification Criteria 13 December 2019. Collection method: clinical testing. Allele origin: germline.

Natera, Inc.
Classification: Likely benign for Primary hyperoxaluria type III. Last evaluated: 2020-04-11. Review status: no assertion criteria provided. Collection method: clinical testing. Allele origin: germline. Not counted in ClinVar's aggregate classification.